The following is an entry in ClinVar:

ClinVar aggregate classification (germline): Uncertain significance (1 of 4 stars; one submission).

Conditions:
Polycystic liver disease 2 (PCLD2). Also called: Polycystic liver disease 2 with or without kidney cysts. Identifiers: Orphanet 2924, MedGen C4310769, MONDO:0014860, OMIM 617004.

Submission:

Centre for Mendelian Genomics, University Medical Centre Ljubljana
Classification: Uncertain significance for Polycystic liver disease 2. Last evaluated: 2016-01-01. Review status: criteria provided, single submitter. Criteria: ACMG Guidelines, 2015. Collection method: clinical testing. Allele origin: unknown. Affected: yes.
Comment: This variant was classified as: Uncertain significance. The following ACMG criteria were applied in classifying this variant: PM2.

NM_007214.5(SEC63):c.286dup (p.Thr96fs)

Gene: SEC63 (SEC63 homolog, protein translocation regulator; minus strand). Cytogenetic location: 6q21.
Variant type: Duplication.
Coding change: c.286dup on transcript NM_007214.5 (MANE Select); coding-DNA position 286, one base duplicated (A; older notation c.286dupA).
Protein change: p.Thr96fs; shifts the reading frame from threonine 96.
Molecular consequence: frameshift variant.
Genome position (GRCh38, 1-based): chr6:107,924,871, T duplicated on the plus strand (A on the coding strand, the reverse complement: SEC63 is on the minus strand); the first of 4 consecutive T bases (chr6:107,924,871-107,924,874); duplicating any one gives the same sequence. VCF-style (leftmost placement, unchanged base first): chr6-107924870-G-GT. GRCh37 (hg19) VCF-style: chr6-108246074-G-GT.
Other names: short protein forms T96fs.
Identifiers: ClinVar variation 931942 (VCV000931942.3), dbSNP rs1787640678, ClinGen allele CA1139659744.
Genomic context (GRCh38, chr6:107,924,870, plus strand): 5'-CTACTTACAGGATCCAAATTTAATACTTCATAAGGATTGTATTCTTGGTATTCTCGGTCT[G>GT]TTTTGGAAACTTTATATGCAAGGAATAAGAACAATGCCCATCCTGCAAGCAGAACTATTT-3'